The following is an entry in ClinVar:

NM_007294.4(BRCA1):c.5588A>G (p.Tyr1863Cys)

Gene: BRCA1 (BRCA1 DNA repair associated; minus strand). Cytogenetic location: 17q21.31.
Variant type: single nucleotide variant.
Coding change: c.5588A>G on transcript NM_007294.4 (MANE Select); coding-DNA position 5588, A replaced by G.
Protein change: p.Tyr1863Cys; replaces tyrosine 1863 with cysteine.
Molecular consequence: missense variant. On other transcripts: 3 prime UTR variant (1), non-coding transcript variant (1).
Genome position (GRCh38, 1-based): chr17:43,045,682, T>C on the plus strand (A>G on the coding strand, the complement: BRCA1 is on the minus strand). VCF-style: chr17-43045682-T-C. GRCh37 (hg19) VCF-style: chr17-41197699-T-C.
Other names: c.5444A>G, p.Tyr1815Cys (NM_001407742.1, NM_001407743.1, NM_001407744.1 and 18 more transcripts); c.5441A>G, p.Tyr1814Cys (NM_001407838.1, NM_001407839.1, NM_001407841.1 and 12 more transcripts); c.*102A>G (NM_001407854.1, NM_001407858.1, NM_001407859.1 and 14 more transcripts); c.5387A>G, p.Tyr1796Cys (NM_001407862.1); c.5384A>G, p.Tyr1795Cys (NM_001407863.1); c.5381A>G, p.Tyr1794Cys (NM_001407874.1, NM_001407875.1); c.5378A>G, p.Tyr1793Cys (NM_001407879.1, NM_001407881.1, NM_001407882.1 and 5 more transcripts); c.5375A>G, p.Tyr1792Cys (NM_001407894.1, NM_001407895.1, NM_001407896.1 and 12 more transcripts); and 74 more; short protein forms Y1863C, Y1884C, Y1816C, Y759C, Y1566C, Y1694C, Y1736C, Y1774C.
Identifiers: ClinVar variation 631316 (VCV000631316.15), dbSNP rs1567756242, ClinGen allele CA10590149.
Genomic context (GRCh38, chr17:43,045,682, plus strand): 5'-CACTTTGTAAGCTCATTCTTGGGGTCCTGTGGCTCTGTACCTGTGGCTGGCTGCAGTCAG[T>C]AGTGGCTGTGGGGGATCTGGGGTATCAGGTAGGTGTCCAGCTCCTGGCACTGGTAGAGTG-3'
Protein context (NP_009225.1, residues 1853-1863): YLIPQIPHSH[Tyr1863Cys]

ClinVar aggregate classification (germline): Conflicting classifications of pathogenicity. Review status: criteria provided, conflicting classifications (1 of 4 stars). 3 submissions from 3 submitters: Uncertain significance (2); Likely benign (1). Last evaluated 2025-10-14.

Conditions:
Hereditary cancer-predisposing syndrome. Also called: Tumor predisposition; Neoplastic Syndromes, Hereditary; Hereditary neoplastic syndrome; Hereditary Cancer Syndrome. Identifiers: Orphanet 140162, MedGen C0027672, MeSH D009386, MONDO:0015356.
Hereditary breast ovarian cancer syndrome. Also called: Hereditary breast and ovarian cancer; Hereditary breast and ovarian cancer syndrome (HBOC); Breast and ovarian cancer; Hereditary breast and ovarian cancer syndrome; BRCA1- and BRCA2-Associated Hereditary Breast and Ovarian Cancer; Hereditary breast and/or ovarian cancer syndrome. Identifiers: Orphanet 145, MedGen C0677776, MeSH D061325, MONDO:0003582. Disease mechanism: loss of function.

Allele frequency attached by ClinVar (database versions not stated): gnomAD exomes below 0.00001.
gnomAD v4.1: 2 of 1,613,768 alleles (0.00012%); highest among the groups gnomAD compares: Non-Finnish European, 0.00017%; no homozygotes.

Submissions (3):

Ambry Genetics
Classification: Likely benign for Hereditary cancer-predisposing syndrome. Last evaluated: 2025-10-14. Review status: criteria provided, single submitter. Criteria: Ambry Variant Classification Scheme 2023. Collection method: clinical testing. Allele origin: germline.

Labcorp Genetics (formerly Invitae), Labcorp
Classification: Uncertain significance for Hereditary breast ovarian cancer syndrome. Last evaluated: 2020-11-26. Review status: criteria provided, single submitter. Criteria: Invitae Variant Classification Sherloc (09022015). Collection method: clinical testing. Allele origin: germline.
Comment: In summary, the available evidence is currently insufficient to determine the role of this variant in disease. Therefore, it has been classified as a Variant of Uncertain Significance. Algorithms developed to predict the effect of missense changes on protein structure and function output the following: SIFT: "Tolerated"; PolyPhen-2: "Probably Damaging"; Align-GVGD: "Class C0". The cysteine amino acid residue is found in multiple mammalian species, suggesting that this missense change does not adversely affect protein function. These predictions have not been confirmed by published functional studies and their clinical significance is uncertain. This variant has not been reported in the literature in individuals with BRCA1-related conditions. ClinVar contains an entry for this variant (Variation ID: 631316). This variant is not present in population databases (ExAC no frequency). This sequence change replaces tyrosine with cysteine at codon 1863 of the BRCA1 protein (p.Tyr1863Cys). The tyrosine residue is weakly conserved and there is a large physicochemical difference between tyrosine and cysteine.

Color Diagnostics, LLC DBA Color Health
Classification: Uncertain significance for Hereditary cancer-predisposing syndrome. Last evaluated: 2019-04-06. Review status: criteria provided, single submitter. Criteria: ACMG Guidelines, 2015. Collection method: clinical testing. Allele origin: germline.